The following is an entry in ClinVar:

ClinVar aggregate classification (germline): Uncertain significance (1 of 4 stars; one submission).

Submission:

GeneDx
Classification: Uncertain significance. Last evaluated: 2024-09-11. Review status: criteria provided, single submitter. Criteria: GeneDx Variant Classification Process June 2021. Collection method: clinical testing. Allele origin: germline. Affected: yes.
Comment: Not observed at significant frequency in large population cohorts (gnomAD); In silico analysis supports that this missense variant has a deleterious effect on protein structure/function; Has not been previously published as pathogenic or benign to our knowledge; Variants in candidate genes are classified as variants of uncertain significance in accordance with ACMG guidelines (PMID: 25741868)

NM_031954.5(KCTD10):c.743G>A (p.Arg248Gln)

Gene: KCTD10 (potassium channel tetramerization domain containing 10; minus strand). Cytogenetic location: 12q24.11.
Variant type: single nucleotide variant.
Coding change: c.743G>A on transcript NM_031954.5 (MANE Select); coding-DNA position 743, G replaced by A.
Protein change: p.Arg248Gln; replaces arginine 248 with glutamine.
Molecular consequence: missense variant. On other transcripts: non-coding transcript variant (2).
Genome position (GRCh38, 1-based): chr12:109,451,794, C>T on the plus strand (G>A on the coding strand, the complement: KCTD10 is on the minus strand). VCF-style: chr12-109451794-C-T. GRCh37 (hg19) VCF-style: chr12-109889599-C-T.
Other names: c.746G>A, p.Arg249Gln (NM_001317395.2); c.674G>A, p.Arg225Gln (NM_001317399.2); short protein forms R225Q, R248Q, R249Q.
Identifiers: ClinVar variation 3340158 (VCV003340158.1).
Genomic context (GRCh38, chr12:109,451,794, plus strand): 5'-TCAGGTCCCCGGCCATCCTGGGCCTCATACAGCAAAATGTTCAGGGTCTCCTCATAAATC[C>T]GGGCTTCGGGAAACTCCACCTGTGTTCCCACAGTATACAGGGCAGGTAAGTTATGGCCCA-3'
Protein context (NP_114160.1, residues 238-258): KQTKVEFPEA[Arg248Gln]IYEETLNILL